The following is an entry in ClinVar:

ClinVar aggregate classification (germline): Conflicting classifications of pathogenicity. Review status: criteria provided, conflicting classifications (1 of 4 stars). 2 submissions from 2 submitters: Uncertain significance (1); Benign (1). Last evaluated 2024-07-08.

Allele frequency attached by ClinVar (database versions not stated): ESP Exome Variant Server 0.00008.
gnomAD v4.1: 36 of 1,614,062 alleles (0.0022%); highest among the groups gnomAD compares: South Asian, 0.033%; no homozygotes.

Submissions (2):

Labcorp Genetics (formerly Invitae), Labcorp
Classification: Uncertain significance. Last evaluated: 2024-07-08. Review status: criteria provided, single submitter. Criteria: Invitae Variant Classification Sherloc (09022015). Collection method: clinical testing. Allele origin: germline.
Comment: This sequence change replaces arginine, which is basic and polar, with glutamine, which is neutral and polar, at codon 786 of the TOPORS protein (p.Arg786Gln). This variant is present in population databases (rs374383518, gnomAD 0.03%). This variant has not been reported in the literature in individuals affected with TOPORS-related conditions. ClinVar contains an entry for this variant (Variation ID: 1408280). Experimental studies and prediction algorithms are not available or were not evaluated, and the functional significance of this variant is currently unknown. In summary, the available evidence is currently insufficient to determine the role of this variant in disease. Therefore, it has been classified as a Variant of Uncertain Significance.

Blueprint Genetics
Classification: Benign. Last evaluated: 2023-12-29. Review status: criteria provided, single submitter. Criteria: ACMG Guidelines, 2015. Collection method: clinical testing. Allele origin: germline.

NM_005802.5(TOPORS):c.2357G>A (p.Arg786Gln)

Gene: TOPORS (TOP1 binding arginine/serine rich protein, E3 ubiquitin ligase; minus strand). Cytogenetic location: 9p21.1.
Variant type: single nucleotide variant.
Coding change: c.2357G>A on transcript NM_005802.5 (MANE Select); coding-DNA position 2357, G replaced by A.
Protein change: p.Arg786Gln; replaces arginine 786 with glutamine.
Molecular consequence: missense variant.
Genome position (GRCh38, 1-based): chr9:32,542,168, C>T on the plus strand (G>A on the coding strand, the complement: TOPORS is on the minus strand). VCF-style: chr9-32542168-C-T. GRCh37 (hg19) VCF-style: chr9-32542166-C-T.
Other names: c.2162G>A, p.Arg721Gln (NM_001195622.2); short protein forms R721Q, R786Q.
Identifiers: ClinVar variation 1408280 (VCV001408280.9), dbSNP rs374383518, ClinGen allele CA5020379.